The following is an entry in ClinVar:

ClinVar aggregate classification (germline): Uncertain significance. Review status: criteria provided, multiple submitters, no conflicts (2 of 4 stars). 2 submissions from 2 submitters: Uncertain significance (2). Last evaluated 2026-03-13.

Conditions:
Tuberous sclerosis 2 (TSC2). Identifiers: Orphanet 805, MedGen C1860707, MONDO:0013199, OMIM 613254.
Hereditary cancer-predisposing syndrome. Also called: Tumor predisposition; Hereditary neoplastic syndrome; Hereditary Cancer Syndrome; Neoplastic Syndromes, Hereditary. Identifiers: Orphanet 140162, MedGen C0027672, MeSH D009386, MONDO:0015356.

Allele frequency attached by ClinVar (database versions not stated): gnomAD exomes below 0.00001.
gnomAD v4.1: 1 of 1,613,532 alleles (0.000062%); highest among the groups gnomAD compares: Non-Finnish European, 0.000085%; no homozygotes.

Submissions (2):

Ambry Genetics
Classification: Uncertain significance for Hereditary cancer-predisposing syndrome. Last evaluated: 2026-03-13. Review status: criteria provided, single submitter. Criteria: Ambry Variant Classification Scheme 2023. Collection method: clinical testing. Allele origin: germline.
Comment: The p.V637L variant (also known as c.1909G>C), located in coding exon 17 of the TSC2 gene, results from a G to C substitution at nucleotide position 1909. The valine at codon 637 is replaced by leucine, an amino acid with highly similar properties. This amino acid position is conserved. In addition, the in silico prediction for this alteration is inconclusive. Based on the available evidence, the clinical significance of this variant remains unclear.

Labcorp Genetics (formerly Invitae), Labcorp
Classification: Uncertain significance for Tuberous sclerosis 2. Last evaluated: 2025-07-07. Review status: criteria provided, single submitter. Criteria: Invitae Variant Classification Sherloc (09022015). Collection method: clinical testing. Allele origin: germline.
Comment: This sequence change replaces valine, which is neutral and non-polar, with leucine, which is neutral and non-polar, at codon 637 of the TSC2 protein (p.Val637Leu). This variant is not present in population databases (gnomAD no frequency). This variant has not been reported in the literature in individuals affected with TSC2-related conditions. ClinVar contains an entry for this variant (Variation ID: 971336). Invitae Evidence Modeling of protein sequence and biophysical properties (such as structural, functional, and spatial information, amino acid conservation, physicochemical variation, residue mobility, and thermodynamic stability) indicates that this missense variant is not expected to disrupt TSC2 protein function with a negative predictive value of 95%. In summary, the available evidence is currently insufficient to determine the role of this variant in disease. Therefore, it has been classified as a Variant of Uncertain Significance.

NM_000548.5(TSC2):c.1909G>C (p.Val637Leu)

Gene: TSC2 (TSC complex subunit 2; plus strand). Cytogenetic location: 16p13.3.
Variant type: single nucleotide variant.
Coding change: c.1909G>C on transcript NM_000548.5 (MANE Select); coding-DNA position 1909, G replaced by C.
Protein change: p.Val637Leu; replaces valine 637 with leucine.
Molecular consequence: missense variant.
Genome position (GRCh38, 1-based): chr16:2,071,579, G>C. VCF-style: chr16-2071579-G-C. GRCh37 (hg19) VCF-style: chr16-2121580-G-C.
Other names: c.1909G>C, p.Val637Leu (NM_001077183.3, NM_001114382.3, NM_001363528.2 and 3 more transcripts); c.1798G>C, p.Val600Leu (NM_001318827.2); c.1762G>C, p.Val588Leu (NM_001318829.2); c.1309G>C, p.Val437Leu (NM_001318831.2); c.1942G>C, p.Val648Leu (NM_001318832.2); short protein forms V637L, V437L, V588L, V648L, V600L.
Identifiers: ClinVar variation 971336 (VCV000971336.10), dbSNP rs2088399918, ClinGen allele CA394273193.